The following is an entry in ClinVar:

NM_004168.4(SDHA):c.484del (p.Arg162fs)

Gene: SDHA (succinate dehydrogenase complex flavoprotein subunit A; plus strand). Cytogenetic location: 5p15.33.
Variant type: Deletion.
Coding change: c.484del on transcript NM_004168.4 (MANE Select); coding-DNA position 484, one base deleted (A; older notation c.484delA).
Protein change: p.Arg162fs; shifts the reading frame from arginine 162.
Molecular consequence: frameshift variant.
Genome position (GRCh38, 1-based): chr5:225,910, A deleted. VCF-style (leftmost placement, unchanged base first): chr5-225909-CA-C. GRCh37 (hg19) VCF-style: chr5-226024-CA-C.
Other names: c.340del, p.Arg114fs (NM_001294332.2); c.484del, p.Arg162fs (NM_001330758.2); c.484delA (NM_004168.2); c.484del (NM_004168.2); short protein forms R114fs, R162fs.
Identifiers: ClinVar variation 947042 (VCV000947042.11), dbSNP rs1734988578, ClinGen allele CA1139658722.

ClinVar aggregate classification (germline): Pathogenic/Likely pathogenic. Review status: criteria provided, multiple submitters, no conflicts (2 of 4 stars). 4 submissions from 4 submitters: Pathogenic (2); Likely pathogenic (2). Last evaluated 2024-06-21.

Conditions:
Hereditary cancer-predisposing syndrome. Also called: Hereditary Cancer Syndrome; Neoplastic Syndromes, Hereditary; Tumor predisposition; Hereditary neoplastic syndrome. Identifiers: Orphanet 140162, MedGen C0027672, MeSH D009386, MONDO:0015356.
Neurodegeneration with ataxia and late-onset optic atrophy. Identifiers: MedGen C5543254, MONDO:0031006, OMIM 619259.
Dilated cardiomyopathy 1GG (CMD1GG). Identifiers: Orphanet 154, MedGen C3150898, MONDO:0013339, OMIM 613642.
Mitochondrial complex II deficiency, nuclear type 1. Also called: SUCCINATE CoQ REDUCTASE DEFICIENCY. Identifiers: Orphanet 3208, MedGen C5700310, MONDO:0100294, OMIM 252011.
Pheochromocytoma/paraganglioma syndrome 5. Also called: Paragangliomas 5; SDHA-Related Hereditary Paraganglioma-Pheochromocytoma Syndrome. Identifiers: Orphanet 29072, MedGen C3279992, MONDO:0013602, OMIM 614165.

Submissions (4):

Labcorp Genetics (formerly Invitae), Labcorp
Classification: Pathogenic for Pheochromocytoma/paraganglioma syndrome 5; Mitochondrial complex II deficiency, nuclear type 1. Last evaluated: 2024-06-21. Review status: criteria provided, single submitter. Criteria: Invitae Variant Classification Sherloc (09022015). Collection method: clinical testing. Allele origin: germline.
Comment: This sequence change creates a premature translational stop signal (p.Arg162Glufs*64) in the SDHA gene. It is expected to result in an absent or disrupted protein product. Loss-of-function variants in SDHA are known to be pathogenic (PMID: 22974104, 24781757). This variant is not present in population databases (gnomAD no frequency). This variant has not been reported in the literature in individuals affected with SDHA-related conditions. ClinVar contains an entry for this variant (Variation ID: 947042). For these reasons, this variant has been classified as Pathogenic.

GeneDx
Classification: Likely pathogenic. Last evaluated: 2024-04-15. Review status: criteria provided, single submitter. Criteria: GeneDx Variant Classification Process June 2021. Collection method: clinical testing. Allele origin: germline. Affected: yes.
Comment: Frameshift variant predicted to result in protein truncation or nonsense mediated decay in a gene for which loss of function is a known mechanism of disease; Not observed at significant frequency in large population cohorts (gnomAD); Has not been previously published as pathogenic or benign to our knowledge

Ambry Genetics
Classification: Pathogenic for Hereditary cancer-predisposing syndrome. Last evaluated: 2024-04-08. Review status: criteria provided, single submitter. Criteria: Ambry Variant Classification Scheme 2023. Collection method: clinical testing. Allele origin: germline.
Comment: The c.484delA pathogenic mutation, located in coding exon 5 of the SDHA gene, results from a deletion of one nucleotide at nucleotide position 484, causing a translational frameshift with a predicted alternate stop codon (p.R162Efs*64). This alteration is expected to result in loss of function by premature protein truncation or nonsense-mediated mRNA decay. As such, this alteration is interpreted as a disease-causing mutation.

Fulgent Genetics
Classification: Likely pathogenic for Mitochondrial complex II deficiency, nuclear type 1; Dilated cardiomyopathy 1GG; Pheochromocytoma/paraganglioma syndrome 5; Neurodegeneration with ataxia and late-onset optic atrophy. Last evaluated: 2021-09-10. Review status: criteria provided, single submitter. Criteria: ACMG Guidelines, 2015. Collection method: clinical testing. Allele origin: unknown.

Literature cited by the submitters: PubMed 22974104 (cited by Labcorp Genetics (formerly Invitae), Labcorp); PubMed 24781757 (cited by Labcorp Genetics (formerly Invitae), Labcorp).